The following is an entry in ClinVar:

ClinVar aggregate classification (germline): Uncertain significance (1 of 4 stars; one submission).

Conditions:
Infantile myofibromatosis (IMF). Also called: Congenital generalized fibromatosis. Identifiers: Orphanet 2591, MedGen C0432284, MONDO:0016824.
Skeletal overgrowth-craniofacial dysmorphism-hyperelastic skin-white matter lesions syndrome. Also called: SKELETAL OVERGROWTH WITH FACIAL DYSMORPHISM, HYPERELASTIC SKIN, WHITE MATTER LESIONS, AND NEUROLOGIC DETERIORATION; Kosaki overgrowth syndrome. Identifiers: Orphanet 477831, MedGen C4225270, MONDO:0014704, OMIM 616592.
Basal ganglia calcification, idiopathic, 4 (PFBC4). Also called: Familial Idiopathic Basal Ganglia Calcification 4; PRIMARY FAMILIAL BRAIN CALCIFICATION 4, AUTOSOMAL DOMINANT. Identifiers: Orphanet 1980, MedGen C3554321, MONDO:0014004, OMIM 615007.
Acroosteolysis-keloid-like lesions-premature aging syndrome. Also called: Premature aging syndrome, Penttinen type; Prematurely aged appearance, delayed bone maturation, acro-osteolysis, and brachydactyly; Progeroid syndrome, Penttinen type. Identifiers: Orphanet 363665, MedGen C1866182, MONDO:0011150, OMIM 601812.

Submission:

Labcorp Genetics (formerly Invitae), Labcorp
Classification: Uncertain significance for Basal ganglia calcification, idiopathic, 4; Skeletal overgrowth-craniofacial dysmorphism-hyperelastic skin-white matter lesions syndrome; Infantile myofibromatosis; Acroosteolysis-keloid-like lesions-premature aging syndrome. Last evaluated: 2022-08-16. Review status: criteria provided, single submitter. Criteria: Invitae Variant Classification Sherloc (09022015). Collection method: clinical testing. Allele origin: germline.
Comment: This sequence change affects a donor splice site in intron 19 of the PDGFRB gene. It is expected to disrupt RNA splicing. Variants that disrupt the donor or acceptor splice site typically lead to a loss of protein function (PMID: 16199547), however the current clinical and genetic evidence is not sufficient to establish whether loss-of-function variants in PDGFRB cause disease. This variant is not present in population databases (gnomAD no frequency). This variant has not been reported in the literature in individuals affected with PDGFRB-related conditions. Algorithms developed to predict the effect of sequence changes on RNA splicing suggest that this variant may disrupt the consensus splice site. In summary, the available evidence is currently insufficient to determine the role of this variant in disease. Therefore, it has been classified as a Variant of Uncertain Significance.

Literature cited by the submitters: PubMed 16199547.

NM_002609.4(PDGFRB):c.2698+1G>T

Gene: PDGFRB (platelet derived growth factor receptor beta; minus strand). Cytogenetic location: 5q32.
Variant type: single nucleotide variant.
Coding change: c.2698+1G>T on transcript NM_002609.4 (MANE Select); the canonical splice donor site of the intron after coding-DNA position 2698, G replaced by T.
Molecular consequence: splice donor variant.
Genome position (GRCh38, 1-based): chr5:150,120,011, C>A on the plus strand (G>T on the coding strand, the complement: PDGFRB is on the minus strand). VCF-style: chr5-150120011-C-A. GRCh37 (hg19) VCF-style: chr5-149499574-C-A.
Other names: c.2506+1G>T (NM_001355016.2); c.2215+1G>T (NM_001355017.2).
Identifiers: ClinVar variation 2122049 (VCV002122049.4), dbSNP rs2481183138, ClinGen allele CA361759205.
Genomic context (GRCh38, chr5:150,120,011, plus strand): 5'-TGAGTGGTCGAGGTAGACACCAGGCCAGGATGCTGAGGGCTGGAGGAGGAAGCAAGCATA[C>A]CCAAGGTGAAGATCTCCCAGAGCAGGATCCCGAAGGACCACACGTCGCTCAGGGTGGTGT-3'